The following is an entry in ClinVar:

ClinVar aggregate classification (germline): Uncertain significance. Review status: criteria provided, multiple submitters, no conflicts (2 of 4 stars). 2 submissions from 2 submitters: Uncertain significance (2). Last evaluated 2023-02-04.

Conditions:
Hereditary cancer-predisposing syndrome. Also called: Neoplastic Syndromes, Hereditary; Tumor predisposition; Hereditary neoplastic syndrome; Hereditary Cancer Syndrome. Identifiers: Orphanet 140162, MedGen C0027672, MeSH D009386, MONDO:0015356.
Parathyroid carcinoma (PRTC). Also called: CDC73-Related Parathyroid Carcinoma; Parathyroid gland carcinoma. Identifiers: Orphanet 143, MedGen C0687150, MONDO:0012004, OMIM 608266, HP:0006780.

Submissions (2):

Ambry Genetics
Classification: Uncertain significance for Hereditary cancer-predisposing syndrome. Last evaluated: 2023-02-04. Review status: criteria provided, single submitter. Criteria: Ambry Variant Classification Scheme 2023. Collection method: clinical testing. Allele origin: germline.
Comment: The p.H505Y variant (also known as c.1513C>T), located in coding exon 16 of the CDC73 gene, results from a C to T substitution at nucleotide position 1513. The histidine at codon 505 is replaced by tyrosine, an amino acid with similar properties. This amino acid position is conserved. In addition, this alteration is predicted to be deleterious by in silico analysis. Since supporting evidence is limited at this time, the clinical significance of this alteration remains unclear.

Labcorp Genetics (formerly Invitae), Labcorp
Classification: Uncertain significance for Parathyroid carcinoma. Last evaluated: 2018-01-20. Review status: criteria provided, single submitter. Criteria: Invitae Variant Classification Sherloc (09022015). Collection method: clinical testing. Allele origin: germline.
Comment: In summary, the available evidence is currently insufficient to determine the role of this variant in disease. Therefore, it has been classified as a Variant of Uncertain Significance. Algorithms developed to predict the effect of missense changes on protein structure and function do not agree on the potential impact of this missense change (SIFT: "Tolerated"; PolyPhen-2: "Possibly Damaging"; Align-GVGD: "Class C0"). This variant has not been reported in the literature in individuals with CDC73-related disease. This variant is not present in population databases (ExAC no frequency). This sequence change replaces histidine with tyrosine at codon 505 of the CDC73 protein (p.His505Tyr). The histidine residue is highly conserved and there is a moderate physicochemical difference between histidine and tyrosine.

NM_024529.5(CDC73):c.1513C>T (p.His505Tyr)

Gene: CDC73 (cell division cycle 73; plus strand). Cytogenetic location: 1q31.2.
Variant type: single nucleotide variant.
Coding change: c.1513C>T on transcript NM_024529.5 (MANE Select); coding-DNA position 1513, C replaced by T.
Protein change: p.His505Tyr; replaces histidine 505 with tyrosine.
Molecular consequence: missense variant.
Genome position (GRCh38, 1-based): chr1:193,249,825, C>T. VCF-style: chr1-193249825-C-T. GRCh37 (hg19) VCF-style: chr1-193218955-C-T.
Other names: short protein forms H505Y.
Identifiers: ClinVar variation 579108 (VCV000579108.11), dbSNP rs1558326147, ClinGen allele CA344078553.